The following is an entry in ClinVar:

ClinVar aggregate classification (germline): Uncertain significance (1 of 4 stars; one submission).

Conditions:
Progressive microcephaly-seizures-cortical blindness-developmental delay syndrome. Also called: Seizures, cortical blindness, and microcephaly syndrome. Identifiers: Orphanet 477814, MedGen C5567650, MONDO:0014714, OMIM 616632.
Autosomal dominant nonsyndromic hearing loss 1. Also called: DEAFNESS, AUTOSOMAL DOMINANT 1, WITH OR WITHOUT THROMBOCYTOPENIA; KONIGSMARK SYNDROME. Identifiers: Orphanet 90635, MedGen C1852282, MONDO:0007424, OMIM 124900.

Allele frequency attached by ClinVar (database versions not stated): gnomAD exomes below 0.00001 and 0.00001; ExAC 0.00001; gnomAD 0.00005; TOPMed 0.00005; 1000 Genomes Project 30x 0.00016; 1000 Genomes Project 0.00020.
gnomAD v4.1: 10 of 1,614,010 alleles (0.00062%); highest among the groups gnomAD compares: African/African-American, 0.0093%; no homozygotes.

Submission:

Labcorp Genetics (formerly Invitae), Labcorp
Classification: Uncertain significance for Progressive microcephaly-seizures-cortical blindness-developmental delay syndrome; Autosomal dominant nonsyndromic hearing loss 1. Last evaluated: 2025-11-09. Review status: criteria provided, single submitter. Criteria: Invitae Variant Classification Sherloc (09022015). Collection method: clinical testing. Allele origin: germline.
Comment: This sequence change replaces lysine, which is basic and polar, with glutamic acid, which is acidic and polar, at codon 405 of the DIAPH1 protein (p.Lys405Glu). This variant is present in population databases (rs551450387, gnomAD 0.02%). This variant has not been reported in the literature in individuals affected with DIAPH1-related conditions. ClinVar contains an entry for this variant (Variation ID: 1393481). Experimental studies and prediction algorithms are not available or were not evaluated, and the functional significance of this variant is currently unknown. In summary, the available evidence is currently insufficient to determine the role of this variant in disease. Therefore, it has been classified as a Variant of Uncertain Significance.

NM_005219.5(DIAPH1):c.1213A>G (p.Lys405Glu)

Gene: DIAPH1 (diaphanous related formin 1; minus strand). Cytogenetic location: 5q31.3.
Variant type: single nucleotide variant.
Coding change: c.1213A>G on transcript NM_005219.5 (MANE Select); coding-DNA position 1213, A replaced by G.
Protein change: p.Lys405Glu; replaces lysine 405 with glutamic acid.
Molecular consequence: missense variant.
Genome position (GRCh38, 1-based): chr5:141,577,542, T>C on the plus strand (A>G on the coding strand, the complement: DIAPH1 is on the minus strand). VCF-style: chr5-141577542-T-C. GRCh37 (hg19) VCF-style: chr5-140957109-T-C.
Other names: c.1186A>G, p.Lys396Glu (NM_001079812.3); c.1213A>G, p.Lys405Glu (NM_001314007.2); short protein forms K396E, K405E.
Identifiers: ClinVar variation 1393481 (VCV001393481.6), dbSNP rs551450387, ClinGen allele CA3479350.